The following is an entry in ClinVar:

NM_002439.5(MSH3):c.1764-3C>T

Gene: MSH3 (mutS homolog 3; plus strand). Cytogenetic location: 5q14.1.
Variant type: single nucleotide variant.
Coding change: c.1764-3C>T on transcript NM_002439.5 (MANE Select); 3 bases into the intron before coding-DNA position 1764, C replaced by T.
Molecular consequence: intron variant.
Genome position (GRCh38, 1-based): chr5:80,761,543, C>T. VCF-style: chr5-80761543-C-T. GRCh37 (hg19) VCF-style: chr5-80057362-C-T.
Identifiers: ClinVar variation 945529 (VCV000945529.12), dbSNP rs1744033114, ClinGen allele CA1139658908.

ClinVar aggregate classification (germline): Uncertain significance. Review status: criteria provided, multiple submitters, no conflicts (2 of 4 stars). 2 submissions from 2 submitters: Uncertain significance (2). Last evaluated 2022-10-13.

Conditions:
Hereditary cancer-predisposing syndrome. Also called: Neoplastic Syndromes, Hereditary; Hereditary Cancer Syndrome; Tumor predisposition; Hereditary neoplastic syndrome. Identifiers: Orphanet 140162, MedGen C0027672, MeSH D009386, MONDO:0015356.

Submissions (2):

Labcorp Genetics (formerly Invitae), Labcorp
Classification: Uncertain significance. Last evaluated: 2022-10-13. Review status: criteria provided, single submitter. Criteria: Invitae Variant Classification Sherloc (09022015). Collection method: clinical testing. Allele origin: germline.
Comment: This sequence change falls in intron 12 of the MSH3 gene. It does not directly change the encoded amino acid sequence of the MSH3 protein. It affects a nucleotide within the consensus splice site. This variant is not present in population databases (gnomAD no frequency). This variant has not been reported in the literature in individuals affected with MSH3-related conditions. ClinVar contains an entry for this variant (Variation ID: 945529). Variants that disrupt the consensus splice site are a relatively common cause of aberrant splicing (PMID: 17576681, 9536098). Algorithms developed to predict the effect of sequence changes on RNA splicing suggest that this variant is not likely to affect RNA splicing. In summary, the available evidence is currently insufficient to determine the role of this variant in disease. Therefore, it has been classified as a Variant of Uncertain Significance.

Ambry Genetics
Classification: Uncertain significance for Hereditary cancer-predisposing syndrome. Last evaluated: 2021-01-22. Review status: criteria provided, single submitter. Criteria: Ambry Variant Classification Scheme 2023. Collection method: clinical testing. Allele origin: germline.
Comment: The c.1764-3C>T intronic variant results from a C to T substitution 3 nucleotides upstream from coding exon 13 in the MSH3 gene. This nucleotide position is highly conserved in available vertebrate species. In silico splice site analysis predicts that this alteration will not have any significant effect on splicing. Since supporting evidence is limited at this time, the clinical significance of this alteration remains unclear.

Literature cited by the submitters: PubMed 17576681 (cited by Labcorp Genetics (formerly Invitae), Labcorp); PubMed 9536098 (cited by Labcorp Genetics (formerly Invitae), Labcorp).